The following is an entry in ClinVar:

NC_000015.9:g.(?_48704746)_(48713023_?)dup

Gene: FBN1 (fibrillin 1; minus strand). Cytogenetic location: 15q21.1.
Variant type: Duplication.
Identifiers: ClinVar variation 1491808 (VCV001491808.4).

ClinVar aggregate classification (germline): Likely pathogenic (1 of 4 stars; one submission).

Conditions:
Marfan syndrome (MFS). Also called: MARFAN SYNDROME, TYPE I; Marfan syndrome type 1; Marfan's syndrome; Marfan syndrome, classic; FBN1-Related Marfan Syndrome. Identifiers: Orphanet 284963, Orphanet 558, MedGen C0024796, MONDO:0007947, OMIM 154700.
Familial thoracic aortic aneurysm and aortic dissection (TAAD). Also called: Thoracic aortic aneurysms and dissections. Identifiers: Orphanet 91387, MedGen C4707243, MONDO:0019625.

Submission:

Labcorp Genetics (formerly Invitae), Labcorp
Classification: Likely pathogenic for Marfan syndrome; Familial thoracic aortic aneurysm and aortic dissection. Last evaluated: 2021-03-23. Review status: criteria provided, single submitter. Criteria: Invitae Variant Classification Sherloc (09022015). Collection method: clinical testing. Allele origin: germline.
Comment: In summary, the currently available evidence indicates that the variant is pathogenic, but additional data are needed to prove that conclusively. Therefore, this variant has been classified as Likely Pathogenic. This variant has not been reported in the literature in individuals with FBN1-related conditions. This variant results in a copy number gain of the genomic region encompassing exon(s) 63-65 of the FBN1 gene. While the exact position of this variant cannot be determined from the data, sub-genic copy number gains are generally in tandem (PMID: 25640679). This variant is predicted to be out-of-frame, and may result in an absent or disrupted protein product. Loss-of-function variants in FBN1 are known to be pathogenic (PMID: 17657824, 19293843).

Literature cited by the submitters: PubMed 25640679; PubMed 17657824; PubMed 19293843.